The following is an entry in ClinVar:

NM_006361.6(HOXB13):c.742A>G (p.Lys248Glu)

Gene: HOXB13 (homeobox B13; minus strand). Cytogenetic location: 17q21.32.
Variant type: single nucleotide variant.
Coding change: c.742A>G on transcript NM_006361.6 (MANE Select); coding-DNA position 742, A replaced by G.
Protein change: p.Lys248Glu; replaces lysine 248 with glutamic acid.
Molecular consequence: missense variant.
Genome position (GRCh38, 1-based): chr17:48,726,903, T>C on the plus strand (A>G on the coding strand, the complement: HOXB13 is on the minus strand). VCF-style: chr17-48726903-T-C. GRCh37 (hg19) VCF-style: chr17-46804265-T-C.
Other names: short protein forms K248E.
Identifiers: ClinVar variation 944862 (VCV000944862.10), dbSNP rs1243575757, ClinGen allele CA400106121.

ClinVar aggregate classification (germline): Uncertain significance. Review status: criteria provided, multiple submitters, no conflicts (2 of 4 stars). 3 submissions from 3 submitters: Uncertain significance (3). Last evaluated 2025-11-11.

Conditions:
Hereditary cancer-predisposing syndrome. Also called: Neoplastic Syndromes, Hereditary; Hereditary Cancer Syndrome; Tumor predisposition; Hereditary neoplastic syndrome. Identifiers: Orphanet 140162, MedGen C0027672, MeSH D009386, MONDO:0015356.
Prostate cancer, hereditary, 9 (HPC9). Identifiers: Orphanet 1331, MedGen C1970250, MONDO:0012597, OMIM 610997.

Allele frequency attached by ClinVar (database versions not stated): gnomAD exomes below 0.00001 and 0.00001.
gnomAD v4.1: 1 of 1,614,062 alleles (0.000062%); highest among the groups gnomAD compares: East Asian, 0.0022%; no homozygotes.

Submissions (3):

Labcorp Genetics (formerly Invitae), Labcorp
Classification: Uncertain significance. Last evaluated: 2025-11-11. Review status: criteria provided, single submitter. Criteria: Invitae Variant Classification Sherloc (09022015). Collection method: clinical testing. Allele origin: germline.
Comment: This sequence change replaces lysine, which is basic and polar, with glutamic acid, which is acidic and polar, at codon 248 of the HOXB13 protein (p.Lys248Glu). This variant is present in population databases (no rsID available, gnomAD 0.006%). This variant has not been reported in the literature in individuals affected with HOXB13-related conditions. ClinVar contains an entry for this variant (Variation ID: 944862). Invitae Evidence Modeling of protein sequence and biophysical properties (such as structural, functional, and spatial information, amino acid conservation, physicochemical variation, residue mobility, and thermodynamic stability) indicates that this missense variant is not expected to disrupt HOXB13 protein function with a negative predictive value of 80%. In summary, the available evidence is currently insufficient to determine the role of this variant in disease. Therefore, it has been classified as a Variant of Uncertain Significance.

Ambry Genetics
Classification: Uncertain significance for Hereditary cancer-predisposing syndrome. Last evaluated: 2025-04-09. Review status: criteria provided, single submitter. Criteria: Ambry Variant Classification Scheme 2023. Collection method: clinical testing. Allele origin: germline.
Comment: The p.K248E variant (also known as c.742A>G), located in coding exon 2 of the HOXB13 gene, results from an A to G substitution at nucleotide position 742. The lysine at codon 248 is replaced by glutamic acid, an amino acid with similar properties. This amino acid position is well conserved in available vertebrate species. In addition, this alteration is predicted to be deleterious by in silico analysis. Based on the available evidence, the clinical significance of this variant remains unclear.

Molecular Pathology, Peter Maccallum Cancer Centre
Classification: Uncertain significance for Prostate cancer, hereditary, 9. Last evaluated: 2025-04-01. Review status: criteria provided, single submitter. Criteria: ACMG Guidelines, 2015. Collection method: clinical testing. Allele origin: germline. Inheritance: Autosomal dominant inheritance.